The following is an entry in ClinVar:

ClinVar aggregate classification (germline): Uncertain significance (1 of 4 stars; one submission).

gnomAD v4.1: 2 of 1,613,904 alleles (0.00012%); highest among the groups gnomAD compares: South Asian, 0.0011%; no homozygotes.

Submission:

Labcorp Genetics (formerly Invitae), Labcorp
Classification: Uncertain significance. Last evaluated: 2022-06-27. Review status: criteria provided, single submitter. Criteria: Invitae Variant Classification Sherloc (09022015). Collection method: clinical testing. Allele origin: germline.
Comment: This sequence change replaces arginine, which is basic and polar, with leucine, which is neutral and non-polar, at codon 1183 of the C2CD3 protein (p.Arg1183Leu). This variant is not present in population databases (gnomAD no frequency). This variant has not been reported in the literature in individuals affected with C2CD3-related conditions. Algorithms developed to predict the effect of missense changes on protein structure and function are either unavailable or do not agree on the potential impact of this missense change (SIFT: "Tolerated"; PolyPhen-2: "Possibly Damaging"; Align-GVGD: "Class C0"). In summary, the available evidence is currently insufficient to determine the role of this variant in disease. Therefore, it has been classified as a Variant of Uncertain Significance.

NM_001286577.2(C2CD3):c.3548G>T (p.Arg1183Leu)

Gene: C2CD3 (C2 domain containing 3 centriole elongation regulator; minus strand). Cytogenetic location: 11q13.4.
Variant type: single nucleotide variant.
Coding change: c.3548G>T on transcript NM_001286577.2 (MANE Select); coding-DNA position 3548, G replaced by T.
Protein change: p.Arg1183Leu; replaces arginine 1183 with leucine.
Molecular consequence: missense variant.
Genome position (GRCh38, 1-based): chr11:74,090,906, C>A on the plus strand (G>T on the coding strand, the complement: C2CD3 is on the minus strand). VCF-style: chr11-74090906-C-A. GRCh37 (hg19) VCF-style: chr11-73801951-C-A.
Other names: c.3548G>T, p.Arg1183Leu (NM_015531.6); short protein forms R1183L.
Identifiers: ClinVar variation 1450564 (VCV001450564.3), dbSNP rs200609720, ClinGen allele CA381823385.